The following is an entry in ClinVar:

ClinVar aggregate classification (germline): Benign. Review status: reviewed by expert panel (3 of 4 stars). 11 submissions from 10 submitters: Benign (1). 10 of the submissions do not count toward it. Last evaluated 2017-04-18.

Conditions:
BRAF-related disorder. Also called: BRAF-related condition.
Noonan syndrome 1 (NS1). Also called: FEMALE PSEUDO-TURNER SYNDROME; TURNER PHENOTYPE WITH NORMAL KARYOTYPE; PTPN11-Related Noonan Syndrome. Identifiers: Orphanet 648, MedGen C4551602, MONDO:0008104, OMIM 163950. Disease mechanism: gain of function.
Colorectal cancer. Also called: Colorectal cancer, somatic; Malignant Colorectal Neoplasm. Identifiers: MedGen C0346629, MONDO:0005575, OMIM 114500.
Cardiofaciocutaneous syndrome 1 (CFC1). Also called: BRAF-Related Cardiofaciocutaneous Syndrome. Identifiers: Orphanet 1340, MedGen CN029449, MONDO:0007265, OMIM 115150. Disease mechanism: gain of function.
LEOPARD syndrome 3 (LPRD3). Identifiers: Orphanet 500, MedGen C3150971, MONDO:0013380, OMIM 613707.
Noonan syndrome 7 (NS7). Also called: BRAF-Related Noonan Syndrome. Identifiers: Orphanet 648, MedGen C3150970, MONDO:0013379, OMIM 613706.
Melanoma, cutaneous malignant, susceptibility to, 1 (CMM1). Also called: MELANOMA, MALIGNANT; B-K MOLE SYNDROME; DYSPLASTIC NEVUS SYNDROME, HEREDITARY; FAMILIAL ATYPICAL MOLE-MALIGNANT MELANOMA SYNDROME. Identifiers: Orphanet 618, MedGen C1835047, MONDO:0007963, OMIM 155600.
Lung cancer. Also called: Lung cancer, somatic; Malignant tumor of lung. Identifiers: MedGen C0242379, MONDO:0008903, OMIM 211980.
Cardiovascular phenotype. Identifiers: MedGen CN230736.
RASopathy. Also called: rasopathies; Noonan spectrum disorder. Identifiers: Orphanet 536391, MedGen C5555857, MONDO:0021060.

Allele frequency attached by ClinVar (database versions not stated): gnomAD exomes 0.00006 and 0.00017; ExAC 0.00020; gnomAD 0.00042 and 0.00043; ESP Exome Variant Server 0.00046; TOPMed 0.00056; 1000 Genomes Project 0.00160; 1000 Genomes Project 30x 0.00172.
gnomAD v4.1: 152 of 1,612,098 alleles (0.0094%); highest among the groups gnomAD compares: African/African-American, 0.16%; 1 homozygote.

Submissions (11):

ClinGen RASopathy Variant Curation Expert Panel
Classification: Benign for Noonan syndrome and Noonan-related syndrome. Last evaluated: 2017-04-18. Review status: reviewed by expert panel. Criteria: ClinGen RASopathy ACMG Specifications v1. Collection method: curation. Allele origin: germline. Inheritance: Autosomal dominant inheritance.
Comment: The filtering allele frequency of the c.2127+3A>G variant in the BRAF gene is 0.151% (23/10398) of African chromosomes by the Exome Aggregation Consortium, which is a high enough frequency to be classified as benign based on thresholds defined by the ClinGen RASopathy Expert Panel (BA1; PMID:29493581)

Labcorp Genetics (formerly Invitae), Labcorp
Classification: Benign for RASopathy. Last evaluated: 2026-01-28. Review status: criteria provided, single submitter. Criteria: Invitae Variant Classification Sherloc (09022015). Collection method: clinical testing. Allele origin: germline. Not counted in ClinVar's aggregate classification.

Ambry Genetics
Classification: Benign for Cardiovascular phenotype. Last evaluated: 2025-03-04. Review status: criteria provided, single submitter. Criteria: Ambry Variant Classification Scheme 2023. Collection method: clinical testing. Allele origin: germline. Not counted in ClinVar's aggregate classification.

Blueprint Genetics
Classification: Likely benign. Last evaluated: 2024-11-04. Review status: criteria provided, single submitter. Criteria: ACMG Guidelines, 2015. Collection method: clinical testing. Allele origin: germline. Not counted in ClinVar's aggregate classification.

Fulgent Genetics
Classification: Likely benign for Colorectal cancer; Cardiofaciocutaneous syndrome 1; Melanoma, cutaneous malignant, susceptibility to, 1; Noonan syndrome 1; Lung cancer; Noonan syndrome 7; LEOPARD syndrome 3. Last evaluated: 2022-05-06. Review status: criteria provided, single submitter. Criteria: ACMG Guidelines, 2015. Collection method: clinical testing. Allele origin: unknown. Not counted in ClinVar's aggregate classification.

Illumina Laboratory Services, Illumina
Classification: Likely benign for Noonan syndrome 7. Last evaluated: 2018-01-13. Review status: criteria provided, single submitter. Criteria: ICSL Variant Classification Criteria 13 December 2019. Collection method: clinical testing. Allele origin: germline. Not counted in ClinVar's aggregate classification.
Comment: This variant was observed in the ICSL laboratory as part of a predisposition screen in an ostensibly healthy population. It had not been previously curated by ICSL or reported in the Human Gene Mutation Database (HGMD: prior to June 1st, 2018), and was therefore a candidate for classification through an automated scoring system. Utilizing variant allele frequency, disease prevalence and penetrance estimates, and inheritance mode, an automated score was calculated to assess if this variant is too frequent to cause the disease. Based on the score and internal cut-off values, a variant classified as likely benign is not then subjected to further curation. The score for this variant resulted in a classification of likely benign for this disease.

Illumina Laboratory Services, Illumina
Classification: Benign for LEOPARD syndrome 3. Last evaluated: 2018-01-13. Review status: criteria provided, single submitter. Criteria: ICSL Variant Classification Criteria 13 December 2019. Collection method: clinical testing. Allele origin: germline. Not counted in ClinVar's aggregate classification.
Comment: This variant was observed in the ICSL laboratory as part of a predisposition screen in an ostensibly healthy population. It had not been previously curated by ICSL or reported in the Human Gene Mutation Database (HGMD: prior to June 1st, 2018), and was therefore a candidate for classification through an automated scoring system. Utilizing variant allele frequency, disease prevalence and penetrance estimates, and inheritance mode, an automated score was calculated to assess if this variant is too frequent to cause the disease. Based on the score and internal cut-off values, a variant classified as benign is not then subjected to further curation. The score for this variant resulted in a classification of benign for this disease.

Women's Health and Genetics/Laboratory Corporation of America, LabCorp
Classification: Benign. Last evaluated: 2016-02-29. Review status: criteria provided, single submitter. Criteria: LabCorp Variant Classification Summary - May 2015. Collection method: clinical testing. Allele origin: germline. Not counted in ClinVar's aggregate classification.

Eurofins Ntd Llc (ga)
Classification: Likely benign. Last evaluated: 2015-03-31. Review status: criteria provided, single submitter. Criteria: EGL Classification Definitions 2015. Collection method: clinical testing. Allele origin: germline. Observed: 4 variant alleles, 4 heterozygotes. Not counted in ClinVar's aggregate classification.

GeneDx
Classification: Benign. Last evaluated: 2014-05-14. Review status: criteria provided, single submitter. Criteria: GeneDx Variant Classification (06012015). Collection method: clinical testing. Allele origin: germline. Affected: yes. Not counted in ClinVar's aggregate classification.
Comment: This variant is considered likely benign or benign based on one or more of the following criteria: it is a conservative change, it occurs at a poorly conserved position in the protein, it is predicted to be benign by multiple in silico algorithms, and/or has population frequency not consistent with disease.

PreventionGenetics, part of Exact Sciences
Classification: Benign for BRAF-related condition. Last evaluated: 2022-07-05. Review status: no assertion criteria provided. Collection method: clinical testing. Allele origin: germline. Not counted in ClinVar's aggregate classification.
Comment: This variant is classified as benign based on ACMG/AMP sequence variant interpretation guidelines (Richards et al. 2015 PMID: 25741868, with internal and published modifications).

NM_004333.6(BRAF):c.2127+3A>G

Gene: BRAF (B-Raf proto-oncogene, serine/threonine kinase; minus strand). Cytogenetic location: 7q34.
Variant type: single nucleotide variant.
Coding change: c.2127+3A>G on transcript NM_004333.6 (MANE Select); 3 bases into the intron after coding-DNA position 2127, A replaced by G.
Molecular consequence: intron variant.
Genome position (GRCh38, 1-based): chr7:140,739,809, T>C on the plus strand (A>G on the coding strand, the complement: BRAF is on the minus strand). VCF-style: chr7-140739809-T-C. GRCh37 (hg19) VCF-style: chr7-140439609-T-C.
Other names: c.2127+3A>G (NM_001378474.1, NM_001378468.1, NM_001354609.2); c.2025+3A>G (NM_001378470.1); c.1863+3A>G (NM_001378475.1); c.2016+3A>G (NM_001378471.1); c.2247+3A>G (NM_001374258.1, NM_001374244.1); c.2136+3A>G (NM_001378467.1); c.1971+3A>G (NM_001378472.1, NM_001378473.1); c.2061+3A>G (NM_001378469.1).
Identifiers: ClinVar variation 41447 (VCV000041447.25), dbSNP rs371976102, ClinGen allele CA130842.